The following is an entry in ClinVar:

NM_001853.4(COL9A3):c.388G>A (p.Gly130Ser)

Gene: COL9A3 (collagen type IX alpha 3 chain; plus strand). Cytogenetic location: 20q13.33.
Variant type: single nucleotide variant.
Coding change: c.388G>A on transcript NM_001853.4 (MANE Select); coding-DNA position 388, G replaced by A.
Protein change: p.Gly130Ser; replaces glycine 130 with serine.
Molecular consequence: missense variant.
Genome position (GRCh38, 1-based): chr20:62,821,775, G>A. VCF-style: chr20-62821775-G-A. GRCh37 (hg19) VCF-style: chr20-61453127-G-A.
Other names: c.388G>A, p.Gly130Ser (LRG_1253t1); short protein forms G130S.
Identifiers: ClinVar variation 392918 (VCV000392918.74), dbSNP rs139401633, ClinGen allele CA9949229.

ClinVar aggregate classification (germline): Conflicting classifications of pathogenicity. Review status: criteria provided, conflicting classifications (1 of 4 stars). 12 submissions from 12 submitters: Uncertain significance (9); Likely benign (1). 2 of the submissions do not count toward it. Last evaluated 2026-09-08.

Conditions:
Epiphyseal dysplasia, multiple, 3 (EDM3). Also called: Epiphyseal dysplasia, multiple, 3, with or without myopathy; COL9A3-Related Multiple Epiphyseal Dysplasia. Identifiers: MedGen C1832998, MONDO:0010964, OMIM 600969.
Retinal detachment. Identifiers: MedGen C0035305, MONDO:0008375, OMIM 180050, HP:0000541.
Lattice retinal degeneration. Identifiers: MedGen C0154856, MONDO:0001455, HP:0007992.
Connective tissue disorder. Also called: Connective tissue disease. Identifiers: MedGen C0009782, MONDO:0003900.
Intervertebral disc disorder (IDD). Also called: INTERVERTEBRAL DISC DISEASE; Lumbar disk degenerative disorder. Identifiers: MedGen C0158252, MONDO:0044339, OMIM 603932.
COL9A3-related disorder. Also called: COL9A3-related condition.

Allele frequency attached by ClinVar (database versions not stated): 1000 Genomes Project 30x 0.00062; 1000 Genomes Project 0.00080; gnomAD exomes 0.00083 and 0.00111; gnomAD 0.00086 and 0.00096; ESP Exome Variant Server 0.00093; ExAC 0.00108; TOPMed 0.00108.
gnomAD v4.1: 1,735 of 1,610,366 alleles (0.11%); highest among the groups gnomAD compares: Non-Finnish European, 0.13%; 3 homozygotes.

Submissions (12):

GeneDx
Classification: Uncertain significance. Last evaluated: 2026-09-08. Review status: criteria provided, single submitter. Criteria: GeneDx Variant Classification Process June 2021. Collection method: clinical testing. Allele origin: germline.
Comment: Reported in association with age-related macular degeneration and unspecified retinal and optical nerve disorders (PMID: 24036952); Reported to segregate with autosomal dominant disease in a family with bilateral vitreoretinal lattice degeneration (PMID: 33633367); In silico analysis supports that this missense variant has a deleterious effect on protein structure/function; This variant is associated with the following publications: (PMID: 32483926, 35241111, 36621380, 24036952, 33633367, 41856555)

Labcorp Genetics (formerly Invitae), Labcorp
Classification: Uncertain significance. Last evaluated: 2026-02-02. Review status: criteria provided, single submitter. Criteria: Invitae Variant Classification Sherloc (09022015). Collection method: clinical testing. Allele origin: germline.
Comment: This sequence change replaces glycine, which is neutral and non-polar, with serine, which is neutral and polar, at codon 130 of the COL9A3 protein (p.Gly130Ser). This variant is present in population databases (rs139401633, gnomAD 0.1%), and has an allele count higher than expected for a pathogenic variant. This missense change has been observed in individual(s) with autosomal dominant vitreoretinal degeneration and/or blindness (PMID: 32483926, 33633367). It has also been observed to segregate with disease in related individuals. ClinVar contains an entry for this variant (Variation ID: 392918). Invitae Evidence Modeling of protein sequence and biophysical properties (such as structural, functional, and spatial information, amino acid conservation, physicochemical variation, residue mobility, and thermodynamic stability) indicates that this missense variant is expected to disrupt COL9A3 protein function with a positive predictive value of 95%. In summary, the available evidence is currently insufficient to determine the role of this variant in disease. Therefore, it has been classified as a Variant of Uncertain Significance.

Blueprint Genetics
Classification: Likely benign. Last evaluated: 2024-11-18. Review status: criteria provided, single submitter. Criteria: ACMG Guidelines, 2015. Collection method: clinical testing. Allele origin: germline.

Dasa
Classification: Uncertain significance. Last evaluated: 2024-05-02. Review status: criteria provided, single submitter. Criteria: DASA Assertion Criteria. Collection method: clinical testing. Allele origin: germline.
Comment: NM_001853.4(COL9A3):c.388G>A (p.Gly130Ser) is a missense variant that results in the substitution of glycine with serine. Segregation data support an association with disease in the reported family/families (PMID: 33633367). This variant has been reported in individuals with COL9A3-related disorders (PMID: 33633367). Also, this variant is rare in population databases. Computational prediction algorithms are consistent with a deleterious effect. The currently available literature and clinical evidence are not sufficient to establish a definitive association between this variant and the reported condition. Therefore, this variant is classified as a variant of uncertain significance.

CeGaT Center for Human Genetics Tuebingen
Classification: Uncertain significance. Last evaluated: 2022-08-01. Review status: criteria provided, single submitter. Criteria: CeGaT Center For Human Genetics Tuebingen Variant Classification Criteria Version 2. Collection method: clinical testing. Allele origin: germline. Affected: yes. Observed: 3 variant alleles.
Comment: COL9A3: PP3

Victorian Clinical Genetics Services, Murdoch Childrens Research Institute
Classification: Uncertain significance for Epiphyseal dysplasia, multiple, 3. Last evaluated: 2022-03-31. Review status: criteria provided, single submitter. Criteria: ACMG Guidelines, 2015. Collection method: clinical testing. Allele origin: germline. Inheritance: Autosomal dominant inheritance.
Comment: Based on the classification scheme VCGS_Germline_v1.3.4, this variant is classified as VUS-3C Following criteria are met: 0102 - Loss of function is a known mechanism of disease in this gene and is associated with Stickler syndrome and epiphyseal dysplasia, with or without myopathy (MIM#600969). (I) 0108 - This gene is associated with both recessive and dominant disease. Autosomal recessive inheritance is associated with Stickler syndrome (PMIDs: 24273071, 31090205), while autosomal dominant inheritance is associated with multiple epiphyseal dysplasia, with or without myopathy, and more recently with isolated deafness and retinal phenotypes that overlap with Stickler syndrome (PMID: 33633367). (I) 0115 - Variants in this gene are known to have variable expressivity. Intra- and inter-familial phenotypic variability has been observed in individuals with multiple epiphyseal dysplasia (PMID: 20301302). (I) 0200 - Variant is predicted to result in a missense amino acid change from glycine to serine. (I) 0251 - This variant is heterozygous. (I) 0304 - Variant is present in gnomAD v2 <0.01 for a recessive condition (228 heterozygotes, 0 homozygotes). (SP) 0501 - Missense variant consistently predicted to be damaging by multiple in silico tools or highly conserved with a major amino acid change. (SP) 0601 - Variant is located at a glycine position within a G-X-Y triple helical repeat (DECIPHER, PMID: 33633367). (SP) 0705 - No comparable missense variants have previous evidence for pathogenicity. (I) 0808 - Previous reports of pathogenicity for this variant are conflicting. This variant has been reported as a VUS five times by clinical laboratories in ClinVar, and once as likely pathogenic in a family with vitreoretinal degeneration and reitinal detachment (PMID: 33633367). (I) 1007 - No published functional evidence has been identified for this variant. (I) Legend: (SP) - Supporting pathogenic, (I) - Information, (SB) - Supporting benign

Fulgent Genetics
Classification: Uncertain significance for Epiphyseal dysplasia, multiple, 3; Intervertebral disc disorder. Last evaluated: 2021-12-28. Review status: criteria provided, single submitter. Criteria: ACMG Guidelines, 2015. Collection method: clinical testing. Allele origin: unknown.

Genome Diagnostics Laboratory, The Hospital for Sick Children
Classification: Uncertain significance for Connective tissue disorder. Last evaluated: 2020-01-01. Review status: criteria provided, single submitter. Criteria: ACMG Guidelines, 2015. Collection method: clinical testing. Allele origin: germline.

Eurofins Ntd Llc (ga)
Classification: Uncertain significance. Last evaluated: 2016-12-06. Review status: criteria provided, single submitter. Criteria: EGL Classification Definitions 2015. Collection method: clinical testing. Allele origin: germline. Observed: 1 variant allele, 1 heterozygote.

Breakthrough Genomics
Classification: Uncertain significance. Review status: criteria provided, single submitter. Criteria: ACMG Guidelines, 2015. Collection method: not provided. Allele origin: germline. Inheritance: Autosomal dominant inheritance. Affected: yes.

PreventionGenetics, part of Exact Sciences
Classification: Likely benign for COL9A3-related condition. Last evaluated: 2021-03-02. Review status: no assertion criteria provided. Collection method: clinical testing. Allele origin: germline. Not counted in ClinVar's aggregate classification.
Comment: This variant is classified as likely benign based on ACMG/AMP sequence variant interpretation guidelines (Richards et al. 2015 PMID: 25741868, with internal and published modifications).

Eye Genetics Research Group, Children's Medical Research Institute
Classification: Likely pathogenic for Lattice retinal degeneration; Retinal detachment. Last evaluated: 2020-07-22. Review status: no assertion criteria provided. Collection method: clinical testing. Allele origin: germline. Affected: yes. Not counted in ClinVar's aggregate classification.

Literature cited by the submitters: PubMed 32483926 (cited by Labcorp Genetics (formerly Invitae), Labcorp); PubMed 33633367 (cited by 3 submitters); PubMed 20301302 (cited by Victorian Clinical Genetics Services, Murdoch Childrens Research Institute); PubMed 24273071 (cited by Victorian Clinical Genetics Services, Murdoch Childrens Research Institute); PubMed 31090205 (cited by Victorian Clinical Genetics Services, Murdoch Childrens Research Institute).